The following is an entry in ClinVar:

NM_000059.4(BRCA2):c.715A>G (p.Ser239Gly)

Gene: BRCA2 (BRCA2 DNA repair associated; plus strand). Cytogenetic location: 13q13.1.
Variant type: single nucleotide variant.
Coding change: c.715A>G on transcript NM_000059.4 (MANE Select); coding-DNA position 715, A replaced by G.
Protein change: p.Ser239Gly; replaces serine 239 with glycine.
Molecular consequence: missense variant.
Genome position (GRCh38, 1-based): chr13:32,330,952, A>G. VCF-style: chr13-32330952-A-G. GRCh37 (hg19) VCF-style: chr13-32905089-A-G.
Other names: short protein forms S239G.
Identifiers: ClinVar variation 1006462 (VCV001006462.12), dbSNP rs2072385521, ClinGen allele CA387759968.
Genomic context (GRCh38, chr13:32,330,952, plus strand): 5'-AGTGATTTTAAACTATAATTTTTGCAGAATGTGAAAAGCTATTTTTCCAATCATGATGAA[A>G]GTCTGAAGAAAAATGATAGATTTATCGCTTCTGTGACAGACAGTGAAAACACAAATCAAA-3'
Protein context (NP_000050.3, residues 229-249): VKSYFSNHDE[Ser239Gly]LKKNDRFIAS

ClinVar aggregate classification (germline): Uncertain significance. Review status: criteria provided, multiple submitters, no conflicts (2 of 4 stars). 3 submissions from 3 submitters: Uncertain significance (3). Last evaluated 2024-03-07.

Conditions:
Hereditary cancer-predisposing syndrome. Also called: Hereditary neoplastic syndrome; Neoplastic Syndromes, Hereditary; Tumor predisposition; Hereditary Cancer Syndrome. Identifiers: Orphanet 140162, MedGen C0027672, MeSH D009386, MONDO:0015356.
Hereditary breast ovarian cancer syndrome. Also called: Hereditary breast and/or ovarian cancer syndrome; Hereditary breast and ovarian cancer syndrome; Hereditary breast and ovarian cancer syndrome (HBOC); Breast and ovarian cancer; BRCA1- and BRCA2-Associated Hereditary Breast and Ovarian Cancer; Hereditary breast and ovarian cancer. Identifiers: Orphanet 145, MedGen C0677776, MeSH D061325, MONDO:0003582. Disease mechanism: loss of function.

Submissions (3):

Labcorp Genetics (formerly Invitae), Labcorp
Classification: Uncertain significance for Hereditary breast ovarian cancer syndrome. Last evaluated: 2024-03-07. Review status: criteria provided, single submitter. Criteria: Invitae Variant Classification Sherloc (09022015). Collection method: clinical testing. Allele origin: germline.
Comment: This sequence change replaces serine, which is neutral and polar, with glycine, which is neutral and non-polar, at codon 239 of the BRCA2 protein (p.Ser239Gly). This variant is not present in population databases (gnomAD no frequency). This variant has not been reported in the literature in individuals affected with BRCA2-related conditions. ClinVar contains an entry for this variant (Variation ID: 1006462). Advanced modeling of protein sequence and biophysical properties (such as structural, functional, and spatial information, amino acid conservation, physicochemical variation, residue mobility, and thermodynamic stability) performed at Invitae indicates that this missense variant is not expected to disrupt BRCA2 protein function with a negative predictive value of 95%. In summary, the available evidence is currently insufficient to determine the role of this variant in disease. Therefore, it has been classified as a Variant of Uncertain Significance.

GeneDx
Classification: Uncertain significance. Last evaluated: 2024-02-23. Review status: criteria provided, single submitter. Criteria: GeneDx Variant Classification Process June 2021. Collection method: clinical testing. Allele origin: germline. Affected: yes.
Comment: Not observed at significant frequency in large population cohorts (gnomAD); In silico analysis supports that this missense variant does not alter protein structure/function; Has not been previously published as pathogenic or benign to our knowledge; Also known as 943A>G

Ambry Genetics
Classification: Uncertain significance for Hereditary cancer-predisposing syndrome. Last evaluated: 2021-09-29. Review status: criteria provided, single submitter. Criteria: Ambry Variant Classification Scheme 2023. Collection method: clinical testing. Allele origin: germline.
Comment: The p.S239G variant (also known as c.715A>G), located in coding exon 8 of the BRCA2 gene, results from an A to G substitution at nucleotide position 715. The serine at codon 239 is replaced by glycine, an amino acid with similar properties. This amino acid position is not well conserved in available vertebrate species. In addition, this alteration is predicted to be tolerated by in silico analysis. Since supporting evidence is limited at this time, the clinical significance of this alteration remains unclear.